The following is an entry in ClinVar:

ClinVar aggregate classification (germline): Uncertain significance. Review status: criteria provided, multiple submitters, no conflicts (2 of 4 stars). 9 submissions from 9 submitters: Uncertain significance (9). Last evaluated 2025-03-25.

Conditions:
Multiple endocrine neoplasia, type 2 (MEN2). Identifiers: Orphanet 653, MedGen C4048306, MONDO:0019003. Disease mechanism: gain of function.
Familial medullary thyroid carcinoma (MTC). Also called: Familial Medullary Thyroid Carcinoma (FMTC); Thyroid cancer, familial medullary; MTC, familial. Identifiers: Orphanet 653, Orphanet 99361, MedGen C1833921, MONDO:0007958, OMIM 155240.
Pheochromocytoma. Also called: MAX-Related Hereditary Paraganglioma-Pheochromocytoma Syndrome. Identifiers: Orphanet 29072, MedGen C0031511, MONDO:0008233, OMIM 171300, HP:0002666.
Multiple endocrine neoplasia type 2A. Also called: Multiple Endocrine Neoplasia Type 2A (MEN2A); MULTIPLE ENDOCRINE NEOPLASIA, TYPE IIA; PTC SYNDROME; SIPPLE SYNDROME; MEN 2A; MEN-2A syndrome. Identifiers: Orphanet 247698, Orphanet 653, MedGen C0025268, MeSH D018813, MONDO:0008234, OMIM 171400.
Hirschsprung disease, susceptibility to, 1 (HSCR1). Also called: RET-Related Hirschsprung Disease. Identifiers: Orphanet 388, MedGen C3888239, MONDO:0007723, OMIM 142623.
Multiple endocrine neoplasia type 2B. Also called: WAGENMANN-FROBOESE SYNDROME; MULTIPLE ENDOCRINE NEOPLASIA, TYPE III; MUCOSAL NEUROMA SYNDROME; Multiple Endocrine Neoplasia Type 2B (MEN2B); Multiple endocrine neoplasia, type 3; MULTIPLE ENDOCRINE NEOPLASIA, TYPE IIB. Identifiers: Orphanet 247709, Orphanet 653, MedGen C0025269, MeSH D018814, MONDO:0008082, OMIM 162300.
Hereditary cancer-predisposing syndrome. Also called: Hereditary Cancer Syndrome; Hereditary neoplastic syndrome; Tumor predisposition; Neoplastic Syndromes, Hereditary. Identifiers: Orphanet 140162, MedGen C0027672, MeSH D009386, MONDO:0015356.

Allele frequency attached by ClinVar (database versions not stated): gnomAD exomes below 0.00001 and 0.00001; TOPMed below 0.00001; ExAC 0.00001; gnomAD 0.00001.
gnomAD v4.1: 8 of 1,612,840 alleles (0.0005%); highest among the groups gnomAD compares: African/African-American, 0.004%; no homozygotes.

Submissions (9):

Ambry Genetics
Classification: Uncertain significance for Hereditary cancer-predisposing syndrome. Last evaluated: 2025-03-25. Review status: criteria provided, single submitter. Criteria: Ambry Variant Classification Scheme 2023. Collection method: clinical testing. Allele origin: germline.
Comment: The p.E673A variant (also known as c.2018A>C), located in coding exon 11 of the RET gene, results from an A to C substitution at nucleotide position 2018. The glutamic acid at codon 673 is replaced by alanine, an amino acid with dissimilar properties. This alteration was identified in 1/1358 non-cancer control individuals and in 0/57 cases, in a study looking at cancer predisposition mutations in patients with cutaneous melanoma and a history of at least two additional non-cutaneous melanoma primary cancers (Pritchard AL et al. PLoS One, 2018 Apr;13:e0194098). This variant has been detected in multiple individuals with no reported features of Hirschsprung disease (Ambry internal data). This amino acid position is highly conserved in available vertebrate species. In addition, this alteration is predicted to be deleterious by in silico analysis. Based on the supporting evidence, the association of this alteration with multiple endocrine neoplasia type 2 is unknown; however, the association of this alteration with Hirschsprung disease is unlikely.

Blueprint Genetics
Classification: Uncertain significance. Last evaluated: 2024-10-15. Review status: criteria provided, single submitter. Criteria: ACMG Guidelines, 2015. Collection method: clinical testing. Allele origin: germline.

Labcorp Genetics (formerly Invitae), Labcorp
Classification: Uncertain significance for Multiple endocrine neoplasia, type 2. Last evaluated: 2024-04-29. Review status: criteria provided, single submitter. Criteria: Invitae Variant Classification Sherloc (09022015). Collection method: clinical testing. Allele origin: germline.
Comment: This sequence change replaces glutamic acid, which is acidic and polar, with alanine, which is neutral and non-polar, at codon 673 of the RET protein (p.Glu673Ala). This variant is present in population databases (rs770100231, gnomAD 0.0009%). This variant has not been reported in the literature in individuals affected with RET-related conditions. ClinVar contains an entry for this variant (Variation ID: 486320). An algorithm developed to predict the effect of missense changes on protein structure and function (PolyPhen-2) suggests that this variant is likely to be disruptive. In summary, the available evidence is currently insufficient to determine the role of this variant in disease. Therefore, it has been classified as a Variant of Uncertain Significance.

Baylor Genetics
Classification: Uncertain significance for Hirschsprung disease, susceptibility to, 1. Last evaluated: 2024-03-28. Review status: criteria provided, single submitter. Criteria: ACMG Guidelines, 2015. Collection method: clinical testing. Allele origin: unknown.

Color Diagnostics, LLC DBA Color Health
Classification: Uncertain significance for Multiple endocrine neoplasia, type 2. Last evaluated: 2024-01-02. Review status: criteria provided, single submitter. Criteria: ACMG Guidelines, 2015. Collection method: clinical testing. Allele origin: germline.
Comment: This missense variant replaces glutamic acid with alanine at codon 673 of the RET protein. Computational prediction is inconclusive regarding the impact of this variant on protein structure and function (internally defined REVEL score threshold 0.5 < inconclusive < 0.7, PMID: 27666373). To our knowledge, functional studies have not been reported for this variant. This variant has not been reported in individuals affected with hereditary cancer in the literature. This variant has been identified in 1/250812 chromosomes in the general population by the Genome Aggregation Database (gnomAD). The available evidence is insufficient to determine the role of this variant in disease conclusively. Therefore, this variant is classified as a Variant of Uncertain Significance.

All of Us Research Program, National Institutes of Health
Classification: Uncertain significance for Multiple endocrine neoplasia, type 2. Last evaluated: 2023-11-10. Review status: criteria provided, single submitter. Criteria: ACMG Guidelines, 2015. Collection method: clinical testing. Allele origin: germline. Inheritance: Autosomal dominant inheritance. Observed: 2 variant alleles, 2 heterozygotes.
Comment: This missense variant replaces glutamic acid with alanine at codon 673 of the RET protein. Computational prediction is inconclusive regarding the impact of this variant on protein structure and function (internally defined REVEL score threshold 0.5 < inconclusive < 0.7, PMID: 27666373). To our knowledge, functional studies have not been reported for this variant. This variant has not been reported in individuals affected with hereditary cancer in the literature. This variant has been identified in 1/250812 chromosomes in the general population by the Genome Aggregation Database (gnomAD). The available evidence is insufficient to determine the role of this variant in disease conclusively. Therefore, this variant is classified as a Variant of Uncertain Significance.

This study involves interpretation of variants in research participants for the purpose of population health screening. Participant phenotype was not available at the time of variant classification. Additional details can be found in publication PMID: 35346344, PMCID: PMC8962531

Fulgent Genetics
Classification: Uncertain significance for Hirschsprung disease, susceptibility to, 1; Familial medullary thyroid carcinoma; Multiple endocrine neoplasia type 2B; Pheochromocytoma; Multiple endocrine neoplasia type 2A. Last evaluated: 2022-02-09. Review status: criteria provided, single submitter. Criteria: ACMG Guidelines, 2015. Collection method: clinical testing. Allele origin: unknown.

Quest Diagnostics Nichols Institute San Juan Capistrano
Classification: Uncertain significance. Last evaluated: 2021-07-20. Review status: criteria provided, single submitter. Criteria: Quest Diagnostics criteria. Collection method: clinical testing. Allele origin: unknown.

Dubai Health Genomic Medicine Center, Dubai Health
Classification: Uncertain significance. Last evaluated: 2019-12-23. Review status: criteria provided, single submitter. Criteria: ACMG Guidelines, 2015. Collection method: clinical testing. Allele origin: germline. Affected: yes.

Literature cited by the submitters: PubMed 29641532 (cited by Ambry Genetics).

NM_020975.6(RET):c.2018A>C (p.Glu673Ala)

Gene: RET (ret proto-oncogene; plus strand). Cytogenetic location: 10q11.21.
Variant type: single nucleotide variant.
Coding change: c.2018A>C on transcript NM_020975.6 (MANE Select); coding-DNA position 2018, A replaced by C.
Protein change: p.Glu673Ala; replaces glutamic acid 673 with alanine.
Molecular consequence: missense variant.
Genome position (GRCh38, 1-based): chr10:43,114,618, A>C. VCF-style: chr10-43114618-A-C. GRCh37 (hg19) VCF-style: chr10-43610066-A-C.
Other names: c.2018A>C, p.Glu673Ala (NM_000323.2, NM_001406743.1, NM_001406744.1 and 4 more transcripts); c.1256A>C, p.Glu419Ala (NM_001355216.2); c.1889A>C, p.Glu630Ala (NM_001406761.1, NM_001406762.1, NM_001406764.1); c.1883A>C, p.Glu628Ala (NM_001406763.1, NM_001406765.1); c.1730A>C, p.Glu577Ala (NM_001406766.1, NM_001406767.1, NM_001406770.1); c.1754A>C, p.Glu585Ala (NM_001406768.1); c.1622A>C, p.Glu541Ala (NM_001406769.1, NM_001406772.1); c.1580A>C, p.Glu527Ala (NM_001406771.1, NM_001406773.1); and 10 more; short protein forms E673A, E419A, E238A, E329A, E334A, E498A, E331A, E628A.
Identifiers: ClinVar variation 486320 (VCV000486320.22), dbSNP rs770100231, ClinGen allele CA036915.